The following is an entry in ClinVar:

ClinVar aggregate classification (germline): Pathogenic (1 of 4 stars; one submission).

Conditions:
Glycogen storage disease, type II (IOPD). Also called: CARDIOMEGALIA GLYCOGENICA DIFFUSA; GLYCOGENOSIS, GENERALIZED, CARDIAC FORM; GSD II; POMPE DISEASE, INFANTILE-ONSET; GLYCOGEN STORAGE DISEASE II, INFANTILE-ONSET; ACID ALPHA-GLUCOSIDASE DEFICIENCY, INFANTILE-ONSET. Identifiers: Orphanet 365, MedGen C0017921, MONDO:0009290, OMIM 232300.

Submission:

Labcorp Genetics (formerly Invitae), Labcorp
Classification: Pathogenic for Glycogen storage disease, type II. Last evaluated: 2022-04-08. Review status: criteria provided, single submitter. Criteria: Invitae Variant Classification Sherloc (09022015). Collection method: clinical testing. Allele origin: germline.
Comment: For these reasons, this variant has been classified as Pathogenic. This variant has not been reported in the literature in individuals affected with GAA-related conditions. This variant is not present in population databases (gnomAD no frequency). This sequence change creates a premature translational stop signal (p.Leu195*) in the GAA gene. It is expected to result in an absent or disrupted protein product. Loss-of-function variants in GAA are known to be pathogenic (PMID: 18425781, 22252923).

Literature cited by the submitters: PubMed 18425781; PubMed 22252923.

NM_000152.5(GAA):c.584T>A (p.Leu195Ter)

Gene: GAA (alpha glucosidase; plus strand). Cytogenetic location: 17q25.3.
Variant type: single nucleotide variant.
Coding change: c.584T>A on transcript NM_000152.5 (MANE Select); coding-DNA position 584, T replaced by A.
Protein change: p.Leu195Ter; replaces leucine 195 with a stop codon.
Molecular consequence: nonsense.
Genome position (GRCh38, 1-based): chr17:80,105,786, T>A. VCF-style: chr17-80105786-T-A. GRCh37 (hg19) VCF-style: chr17-78079585-T-A.
Other names: c.584T>A, p.Leu195Ter (NM_001079803.3, NM_001079804.3, NM_001406741.1 and 1 more transcripts); short protein forms L195*.
Identifiers: ClinVar variation 2123166 (VCV002123166.4), dbSNP rs2510350392, ClinGen allele CA401362172.